The following is an entry in ClinVar:

ClinVar aggregate classification (germline): Uncertain significance (1 of 4 stars; one submission).

Conditions:
Hereditary cancer-predisposing syndrome. Also called: Neoplastic Syndromes, Hereditary; Tumor predisposition; Hereditary neoplastic syndrome; Hereditary Cancer Syndrome. Identifiers: Orphanet 140162, MedGen C0027672, MeSH D009386, MONDO:0015356.

Submission:

Ambry Genetics
Classification: Uncertain significance for Hereditary cancer-predisposing syndrome. Last evaluated: 2026-07-07. Review status: criteria provided, single submitter. Criteria: Ambry Variant Classification Scheme 2023. Collection method: clinical testing. Allele origin: germline.
Comment: The p.C140F variant (also known as c.419G>T), located in coding exon 4 of the SDHD gene, results from a G to T substitution at nucleotide position 419. The cysteine at codon 140 is replaced by phenylalanine, an amino acid with highly dissimilar properties. This amino acid position is conserved. In addition, this alteration is predicted to be deleterious by in silico analysis. Based on the available evidence, the clinical significance of this variant remains unclear.

NM_003002.4(SDHD):c.419G>T (p.Cys140Phe)

Gene: SDHD (succinate dehydrogenase complex subunit D; plus strand). Cytogenetic location: 11q23.1.
Variant type: single nucleotide variant.
Coding change: c.419G>T on transcript NM_003002.4 (MANE Select); coding-DNA position 419, G replaced by T.
Protein change: p.Cys140Phe; replaces cysteine 140 with phenylalanine.
Molecular consequence: missense variant. On other transcripts: 3 prime UTR variant (2), non-coding transcript variant (1).
Genome position (GRCh38, 1-based): chr11:112,094,909, G>T. VCF-style: chr11-112094909-G-T. GRCh37 (hg19) VCF-style: chr11-111965633-G-T.
Other names: c.*16G>T (NM_001276503.2); c.302G>T, p.Cys101Phe (NM_001276504.2); c.*117G>T (NM_001276506.2); short protein forms C140F, C101F.
Identifiers: ClinVar variation 5029372 (VCV005029372.1).